The following is an entry in ClinVar:

NM_012309.5(SHANK2):c.832C>G (p.Pro278Ala)

Gene: SHANK2 (SH3 and multiple ankyrin repeat domains 2; minus strand). Cytogenetic location: 11q13.4.
Variant type: single nucleotide variant.
Coding change: c.832C>G on transcript NM_012309.5 (MANE Select); coding-DNA position 832, C replaced by G.
Protein change: p.Pro278Ala; replaces proline 278 with alanine.
Molecular consequence: missense variant.
Genome position (GRCh38, 1-based): chr11:71,092,502, G>C on the plus strand (C>G on the coding strand, the complement: SHANK2 is on the minus strand). VCF-style: chr11-71092502-G-C. GRCh37 (hg19) VCF-style: chr11-70803548-G-C.
Other names: c.832C>G, p.Pro278Ala (NM_001441036.1, NM_001441037.1, NM_001441039.1 and 12 more transcripts); c.760C>G, p.Pro254Ala (NM_001441038.1); short protein forms P254A, P278A.
Identifiers: ClinVar variation 4083402 (VCV004083402.1).

ClinVar aggregate classification (germline): Uncertain significance (1 of 4 stars; one submission).

Submission:

GeneDx
Classification: Uncertain significance. Last evaluated: 2025-03-05. Review status: criteria provided, single submitter. Criteria: GeneDx Variant Classification Process June 2021. Collection method: clinical testing. Allele origin: germline. Affected: yes.
Comment: Not observed at significant frequency in large population cohorts (gnomAD); In silico analysis supports that this missense variant has a deleterious effect on protein structure/function; Has not been previously published as pathogenic or benign to our knowledge